The following is an entry in ClinVar:

ClinVar aggregate classification (germline): Uncertain significance (1 of 4 stars; one submission).

gnomAD v4.1: 1 of 1,613,046 alleles (0.000062%); highest among the groups gnomAD compares: Non-Finnish European, 0.000085%; no homozygotes.

Submission:

Labcorp Genetics (formerly Invitae), Labcorp
Classification: Uncertain significance. Last evaluated: 2025-08-12. Review status: criteria provided, single submitter. Criteria: Invitae Variant Classification Sherloc (09022015). Collection method: clinical testing. Allele origin: germline.
Comment: This sequence change replaces proline, which is neutral and non-polar, with alanine, which is neutral and non-polar, at codon 420 of the IKZF1 protein (p.Pro420Ala). This variant is not present in population databases (gnomAD no frequency). This variant has not been reported in the literature in individuals affected with IKZF1-related conditions. An algorithm developed to predict the effect of missense changes on protein structure and function outputs the following: PolyPhen-2: "Benign". The alanine amino acid residue is found in multiple mammalian species, which suggests that this missense change does not adversely affect protein function. In summary, the available evidence is currently insufficient to determine the role of this variant in disease. Therefore, it has been classified as a Variant of Uncertain Significance.

NM_006060.6(IKZF1):c.1258C>G (p.Pro420Ala)

Gene: IKZF1 (IKAROS family zinc finger 1; plus strand). Cytogenetic location: 7p12.2.
Variant type: single nucleotide variant.
Coding change: c.1258C>G on transcript NM_006060.6 (MANE Select); coding-DNA position 1258, C replaced by G.
Protein change: p.Pro420Ala; replaces proline 420 with alanine.
Molecular consequence: missense variant.
Genome position (GRCh38, 1-based): chr7:50,400,325, C>G. VCF-style: chr7-50400325-C-G. GRCh37 (hg19) VCF-style: chr7-50468023-C-G.
Other names: c.1132C>G, p.Pro378Ala (NM_001220765.3, NM_001291837.2); c.967C>G, p.Pro323Ala (NM_001220767.2); c.997C>G, p.Pro333Ala (NM_001220768.2, NM_001291838.2); c.841C>G, p.Pro281Ala (NM_001220770.2); c.829C>G, p.Pro277Ala (NM_001220771.2, NM_001291841.1); c.871C>G, p.Pro291Ala (NM_001291839.2); c.568C>G, p.Pro190Ala (NM_001291840.1); c.799C>G, p.Pro267Ala (NM_001291842.1); and 3 more; short protein forms P190A, P225A, P281A, P323A, P333A, P420A, P440A, P267A.
Identifiers: ClinVar variation 4724575 (VCV004724575.1).